The following is an entry in ClinVar:

ClinVar aggregate classification (germline): Uncertain significance (1 of 4 stars; one submission).

Submission:

Labcorp Genetics (formerly Invitae), Labcorp
Classification: Uncertain significance. Last evaluated: 2024-12-12. Review status: criteria provided, single submitter. Criteria: Invitae Variant Classification Sherloc (09022015). Collection method: clinical testing. Allele origin: germline.
Comment: This sequence change replaces leucine, which is neutral and non-polar, with arginine, which is basic and polar, at codon 323 of the DGAT1 protein (p.Leu323Arg). This variant is not present in population databases (gnomAD no frequency). This variant has not been reported in the literature in individuals affected with DGAT1-related conditions. ClinVar contains an entry for this variant (Variation ID: 2824077). Invitae Evidence Modeling of protein sequence and biophysical properties (such as structural, functional, and spatial information, amino acid conservation, physicochemical variation, residue mobility, and thermodynamic stability) indicates that this missense variant is expected to disrupt DGAT1 protein function with a positive predictive value of 80%. In summary, the available evidence is currently insufficient to determine the role of this variant in disease. Therefore, it has been classified as a Variant of Uncertain Significance.

NM_012079.6(DGAT1):c.968T>G (p.Leu323Arg)

Gene: DGAT1 (diacylglycerol O-acyltransferase 1; minus strand). Cytogenetic location: 8q24.3.
Variant type: single nucleotide variant.
Coding change: c.968T>G on transcript NM_012079.6 (MANE Select); coding-DNA position 968, T replaced by G.
Protein change: p.Leu323Arg; replaces leucine 323 with arginine.
Molecular consequence: missense variant.
Genome position (GRCh38, 1-based): chr8:144,317,557, A>C on the plus strand (T>G on the coding strand, the complement: DGAT1 is on the minus strand). VCF-style: chr8-144317557-A-C. GRCh37 (hg19) VCF-style: chr8-145541220-A-C.
Other names: short protein forms L323R.
Identifiers: ClinVar variation 2824077 (VCV002824077.3), dbSNP rs2488950572, ClinGen allele CA372609424.